The following is an entry in ClinVar:

ClinVar aggregate classification (germline): Likely benign. Review status: criteria provided, multiple submitters, no conflicts (2 of 4 stars). 2 submissions from 2 submitters: Likely benign (2). Last evaluated 2024-11-01.

Conditions:
Early-infantile DEE. Also called: Early infantile epileptic encephalopathy; Early infantile epileptic encephalopathy with suppression bursts; Ohtahara syndrome. Identifiers: Orphanet 1934, MedGen C0393706, MONDO:0800491.

Allele frequency attached by ClinVar (database versions not stated): gnomAD exomes below 0.00001; ExAC 0.00001.
gnomAD v4.1: 4 of 1,614,034 alleles (0.00025%); highest among the groups gnomAD compares: Non-Finnish European, 0.00034%; no homozygotes.

Submissions (2):

CeGaT Center for Human Genetics Tuebingen
Classification: Likely benign. Last evaluated: 2024-11-01. Review status: criteria provided, single submitter. Criteria: CeGaT Center For Human Genetics Tuebingen Variant Classification Criteria Version 2. Collection method: clinical testing. Allele origin: germline. Affected: yes. Observed: 1 variant allele.
Comment: SCN8A: BP4, BP7

Labcorp Genetics (formerly Invitae), Labcorp
Classification: Likely benign for Early-infantile DEE. Last evaluated: 2022-10-21. Review status: criteria provided, single submitter. Criteria: Invitae Variant Classification Sherloc (09022015). Collection method: clinical testing. Allele origin: germline.

NM_001330260.2(SCN8A):c.234A>G (p.Ala78=)

Genes: SCN8A (sodium voltage-gated channel alpha subunit 8; plus strand), LOC114803470 (SCN8A eExon liver enhancer; plus strand). Cytogenetic location: 12q13.13.
Variant type: single nucleotide variant.
Coding change: c.234A>G on transcript NM_001330260.2 (MANE Select); coding-DNA position 234, A replaced by G.
Protein change: p.Ala78=; no amino-acid change (alanine 78 retained).
Molecular consequence: synonymous variant.
Genome position (GRCh38, 1-based): chr12:51,663,051, A>G. VCF-style: chr12-51663051-A-G. GRCh37 (hg19) VCF-style: chr12-52056835-A-G.
Other names: c.234A>G, p.Ala78= (NM_001177984.3, NM_001369788.1, NM_014191.4).
Identifiers: ClinVar variation 2049290 (VCV002049290.17), dbSNP rs769994874, ClinGen allele CA6571013.